The following is an entry in ClinVar:

NM_024580.6(EFL1):c.1511C>T (p.Ser504Phe)

Gene: EFL1 (elongation factor like GTPase 1; minus strand). Cytogenetic location: 15q25.2.
Variant type: single nucleotide variant.
Coding change: c.1511C>T on transcript NM_024580.6 (MANE Select); coding-DNA position 1511, C replaced by T.
Protein change: p.Ser504Phe; replaces serine 504 with phenylalanine.
Molecular consequence: missense variant. On other transcripts: non-coding transcript variant (1).
Genome position (GRCh38, 1-based): chr15:82,219,752, G>A on the plus strand (C>T on the coding strand, the complement: EFL1 is on the minus strand). VCF-style: chr15-82219752-G-A. GRCh37 (hg19) VCF-style: chr15-82512093-G-A.
Other names: c.1358C>T, p.Ser453Phe (NM_001040610.3); c.722C>T, p.Ser241Phe (NM_001322844.2); c.1511C>T, p.Ser504Phe (NM_001322845.2); c.1511C>T (NM_024580.5); short protein forms S453F, S241F, S504F.
Identifiers: ClinVar variation 1434240 (VCV001434240.5), dbSNP rs376776701, ClinGen allele CA7697957.

ClinVar aggregate classification (germline): Conflicting classifications of pathogenicity. Review status: criteria provided, conflicting classifications (1 of 4 stars). 3 submissions from 3 submitters: Uncertain significance (2); Likely benign (1). Last evaluated 2025-12-09.

Conditions:
Inborn genetic diseases. Identifiers: MedGen C0950123, MeSH D030342.

Allele frequency attached by ClinVar (database versions not stated): 1000 Genomes Project 0.00100; 1000 Genomes Project 30x 0.00156.
gnomAD v4.1: 139 of 1,613,994 alleles (0.0086%); highest among the groups gnomAD compares: African/African-American, 0.15%; no homozygotes.

Submissions (3):

Labcorp Genetics (formerly Invitae), Labcorp
Classification: Uncertain significance. Last evaluated: 2025-12-09. Review status: criteria provided, single submitter. Criteria: Invitae Variant Classification Sherloc (09022015). Collection method: clinical testing. Allele origin: germline.
Comment: This sequence change replaces serine, which is neutral and polar, with phenylalanine, which is neutral and non-polar, at codon 504 of the EFL1 protein (p.Ser504Phe). This variant is present in population databases (rs376776701, gnomAD 0.2%). This variant has not been reported in the literature in individuals affected with EFL1-related conditions. ClinVar contains an entry for this variant (Variation ID: 1434240). Invitae Evidence Modeling of protein sequence and biophysical properties (such as structural, functional, and spatial information, amino acid conservation, physicochemical variation, residue mobility, and thermodynamic stability) indicates that this missense variant is not expected to disrupt EFL1 protein function with a negative predictive value of 80%. In summary, the available evidence is currently insufficient to determine the role of this variant in disease. Therefore, it has been classified as a Variant of Uncertain Significance.

GeneDx
Classification: Uncertain significance. Last evaluated: 2022-11-23. Review status: criteria provided, single submitter. Criteria: GeneDx Variant Classification Process June 2021. Collection method: clinical testing. Allele origin: germline. Affected: yes.
Comment: In silico analysis supports that this missense variant does not alter protein structure/function; Has not been previously published as pathogenic or benign to our knowledge

Ambry Genetics
Classification: Likely benign for Inborn genetic diseases. Last evaluated: 2022-05-15. Review status: criteria provided, single submitter. Criteria: Ambry Variant Classification Scheme 2023. Collection method: clinical testing. Allele origin: germline.